The following is an entry in ClinVar:

ClinVar aggregate classification (germline): Benign. Review status: criteria provided, multiple submitters, no conflicts (2 of 4 stars). 2 submissions from 2 submitters: Benign (2). Last evaluated 2018-06-18.

Allele frequency attached by ClinVar (database versions not stated): gnomAD exomes 0.27445 and 0.26798; 1000 Genomes Project 0.28754; ExAC 0.28835; ESP Exome Variant Server 0.30074; gnomAD 0.29720 and 0.30264; TOPMed 0.29696; 1000 Genomes Project 30x 0.28748.
gnomAD v4.1: 413,774 of 1,495,296 alleles (28%); highest among the groups gnomAD compares: African/African-American, 36%; 58,825 homozygotes.

Submissions (3):

GeneDx
Classification: Benign. Last evaluated: 2018-06-18. Review status: criteria provided, single submitter. Criteria: GeneDx Variant Classification (06012015). Collection method: clinical testing. Allele origin: germline. Affected: yes.
Comment: This variant is considered likely benign or benign based on one or more of the following criteria: it is a conservative change, it occurs at a poorly conserved position in the protein, it is predicted to be benign by multiple in silico algorithms, and/or has population frequency not consistent with disease.

Breakthrough Genomics
Classification: Benign. Review status: criteria provided, single submitter. Criteria: ACMG Guidelines, 2015. Collection method: not provided. Allele origin: germline. Inheritance: Unknown mechanism. Affected: yes.

Dr. Peter K. Rogan Lab, Western University
No classification provided (evidence only). Condition: Malignant lymphoma, large B-cell, diffuse. Review status: no classification provided. Collection method: in vitro. Allele origin: not applicable. Functional consequence: retained intron. Not counted in ClinVar's aggregate classification.

NM_005911.6(MAT2A):c.91+44C>T

Gene: MAT2A (methionine adenosyltransferase 2A; plus strand). Cytogenetic location: 2p11.2.
Variant type: single nucleotide variant.
Coding change: c.91+44C>T on transcript NM_005911.6 (MANE Select); 44 bases into the intron after coding-DNA position 91, C replaced by T.
Molecular consequence: intron variant.
Genome position (GRCh38, 1-based): chr2:85,539,422, C>T. VCF-style: chr2-85539422-C-T. GRCh37 (hg19) VCF-style: chr2-85766545-C-T.
Other names: NC_000002.11:g.85766545C>T.
Identifiers: ClinVar variation 674848 (VCV000674848.3), dbSNP rs2289972, ClinGen allele CA1741291.